The following is an entry in ClinVar:

NM_000334.4(SCN4A):c.4307T>C (p.Leu1436Pro)

Genes: GH-LCR (growth hormone locus control region; plus strand), SCN4A (sodium voltage-gated channel alpha subunit 4; minus strand). Cytogenetic location: 17q23.3.
Variant type: single nucleotide variant.
Coding change: c.4307T>C on transcript NM_000334.4 (MANE Select); coding-DNA position 4307, T replaced by C.
Protein change: p.Leu1436Pro; replaces leucine 1436 with proline.
Molecular consequence: missense variant.
Genome position (GRCh38, 1-based): chr17:63,941,975, A>G on the plus strand (T>C on the coding strand, the complement: SCN4A is on the minus strand). VCF-style: chr17-63941975-A-G. GRCh37 (hg19) VCF-style: chr17-62019335-A-G.
Other names: short protein forms L1436P.
Identifiers: ClinVar variation 661981 (VCV000661981.38), dbSNP rs1598405334, ClinGen allele CA400616264.

ClinVar aggregate classification (germline): Pathogenic. Review status: criteria provided, multiple submitters, no conflicts (2 of 4 stars). 7 submissions from 7 submitters: Pathogenic (7). Last evaluated 2026-08-19.

Conditions:
Skeletal muscle channelopathy.
SCN4A-related disorder. Also called: SCN4A-related disorders.
Hyperkalemic periodic paralysis. Also called: Familial hyperkalemic periodic paralysis; Gamstorp disease. Identifiers: Orphanet 682, MedGen C0238357, MONDO:0008224, OMIM 170500, HP:0007215.

Allele frequency attached by ClinVar (database versions not stated): gnomAD exomes 0.00001.
gnomAD v4.1: 11 of 1,578,436 alleles (0.0007%); highest among the groups gnomAD compares: Non-Finnish European, 0.00095%; no homozygotes.

Submissions (7):

Genetics Laboratory, Great Ormond Street Hospital NHS Foundation Trust, North Thames Genomic Laboratory Hub
Classification: Pathogenic for Skeletal muscle channelopathy. Last evaluated: 2026-08-19. Review status: criteria provided, single submitter. Criteria: ACGS Best Practice Guidelines for Variant Classification in Rare Disease 2024 v1.2. Collection method: clinical testing. Allele origin: germline. Affected: yes.
Comment: PS4_moderate, PP3_supporting, PS3_moderate, PP1_strong, PP4_supporting

Labcorp Genetics (formerly Invitae), Labcorp
Classification: Pathogenic for Hyperkalemic periodic paralysis. Last evaluated: 2025-11-28. Review status: criteria provided, single submitter. Criteria: Invitae Variant Classification Sherloc (09022015). Collection method: clinical testing. Allele origin: germline.
Comment: This sequence change replaces leucine, which is neutral and non-polar, with proline, which is neutral and non-polar, at codon 1436 of the SCN4A protein (p.Leu1436Pro). This variant is not present in population databases (gnomAD no frequency). This missense change has been observed in individuals with autosomal dominant paramyotonia congenita (PMID: 18166706, 21664816, 23516313, 26036855). It has also been observed to segregate with disease in related individuals. ClinVar contains an entry for this variant (Variation ID: 661981). Invitae Evidence Modeling of protein sequence and biophysical properties (such as structural, functional, and spatial information, amino acid conservation, physicochemical variation, residue mobility, and thermodynamic stability) has been performed for this missense variant. However, the output from this modeling did not meet the statistical confidence thresholds required to predict the impact of this variant on SCN4A protein function. For these reasons, this variant has been classified as Pathogenic.

CeGaT Center for Human Genetics Tuebingen
Classification: Pathogenic. Last evaluated: 2024-01-01. Review status: criteria provided, single submitter. Criteria: CeGaT Center For Human Genetics Tuebingen Variant Classification Criteria Version 2. Collection method: clinical testing. Allele origin: germline. Affected: yes. Observed: 1 variant allele.
Comment: SCN4A: PP1:Strong, PM1, PM2, PS4:Moderate

GeneDx
Classification: Pathogenic. Last evaluated: 2021-11-08. Review status: criteria provided, single submitter. Criteria: GeneDx Variant Classification Process June 2021. Collection method: clinical testing. Allele origin: germline. Affected: yes.
Comment: Not observed at significant frequency in large population cohorts (Lek et al., 2016); In silico analysis supports that this missense variant has a deleterious effect on protein structure/function; This variant is associated with the following publications: (PMID: 26659129, 25880512, 33759219, 29088983, 32083589, 23516313, 33325393, 18166706, 29606556, 26036855, 23810313, 23884711, 21698652, 27535533, 21664816)

Rady Children's Institute for Genomic Medicine, Rady Children's Hospital San Diego
Classification: Pathogenic for SCN4A-Related Disorders. Last evaluated: 2020-04-04. Review status: criteria provided, single submitter. Criteria: ACMG Guidelines, 2015. Collection method: clinical testing. Allele origin: germline. Affected: yes.
Comment: This variant has been previously reported as a heterozygous change in multiple patients with paramyotonia congenita and myotonia, and was observed to segregate with disease in several families (PMID: 18166706, 26036855, 21664816). The p.Leu1436Pro variant has been reported in the ClinVar database (Variation ID: 661981). It is absent from the gnomAD population database and thus is presumed to be rare. The c.4307T>C (p.Leu1436Pro) variant affects a highly conserved amino acid and is predicted by multiple in silico tools to have a deleterious effect on protein function. Based on the available evidence, the c.4307T>C (p.Leu1436Pro) variant is classified as Pathogenic.

Athena Diagnostics
Classification: Pathogenic. Last evaluated: 2019-05-08. Review status: criteria provided, single submitter. Criteria: Athena Diagnostics Criteria. Collection method: clinical testing. Allele origin: germline.
Comment: Not found in the total gnomAD dataset, and the data is high quality (0/248026 chr). Statistically enriched in uncharacterized patients compared to unmatched population data. Found in at least one symptomatic patient. Predicted to have a damaging effect on the protein. Strong co-segregation with disease, and data include affected and unaffected individuals from multiple families.

Blueprint Genetics
Classification: Pathogenic for SCN4A-related disorders. Last evaluated: 2018-05-18. Review status: criteria provided, single submitter. Criteria: ACMG Guidelines, 2015. Collection method: clinical testing. Allele origin: germline. Affected: yes. Observed: 1 variant allele.

Literature cited by the submitters: PubMed 18166706 (cited by Labcorp Genetics (formerly Invitae), Labcorp and Athena Diagnostics); PubMed 21664816 (cited by Labcorp Genetics (formerly Invitae), Labcorp and Athena Diagnostics); PubMed 23516313 (cited by Labcorp Genetics (formerly Invitae), Labcorp); PubMed 26036855 (cited by Labcorp Genetics (formerly Invitae), Labcorp and Athena Diagnostics); PubMed 21698652 (cited by Athena Diagnostics); PubMed 23884711 (cited by Athena Diagnostics); PubMed 23810313 (cited by Athena Diagnostics).